The following is an entry in ClinVar:

NM_017999.5(RNF31):c.965C>T (p.Ala322Val)

Gene: RNF31 (ring finger protein 31; plus strand). Cytogenetic location: 14q12.
Variant type: single nucleotide variant.
Coding change: c.965C>T on transcript NM_017999.5 (MANE Select); coding-DNA position 965, C replaced by T.
Protein change: p.Ala322Val; replaces alanine 322 with valine.
Molecular consequence: missense variant.
Genome position (GRCh38, 1-based): chr14:24,150,216, C>T. VCF-style: chr14-24150216-C-T. GRCh37 (hg19) VCF-style: chr14-24619425-C-T.
Other names: c.512C>T, p.Ala171Val (NM_001310332.2); short protein forms A171V, A322V.
Identifiers: ClinVar variation 4705450 (VCV004705450.1).
Genomic context (GRCh38, chr14:24,150,216, plus strand): 5'-TGCCCTGGCACTGTGCTGCCTGTGCCATGCTAAATGAGCCTTGGGCAGTGCTCTGTGTGG[C>T]CTGTGATCGGCCCCGAGGCTGTAAGGGGTTGGGGTTGGGAACTGAGGGTCCCCAAGGAAC-3'
Protein context (NP_060469.4, residues 312-332): LNEPWAVLCV[Ala322Val]CDRPRGCKGL

ClinVar aggregate classification (germline): Uncertain significance (1 of 4 stars; one submission).

gnomAD v4.1: 4 of 1,614,080 alleles (0.00025%); highest among the groups gnomAD compares: Non-Finnish European, 0.00034%; no homozygotes.

Submission:

Labcorp Genetics (formerly Invitae), Labcorp
Classification: Uncertain significance. Last evaluated: 2025-04-10. Review status: criteria provided, single submitter. Criteria: Invitae Variant Classification Sherloc (09022015). Collection method: clinical testing. Allele origin: germline.
Comment: This sequence change replaces alanine, which is neutral and non-polar, with valine, which is neutral and non-polar, at codon 322 of the RNF31 protein (p.Ala322Val). This variant is present in population databases (no rsID available, gnomAD 0.0009%). This variant has not been reported in the literature in individuals affected with RNF31-related conditions. An algorithm developed to predict the effect of missense changes on protein structure and function (PolyPhen-2) suggests that this variant is likely to be tolerated. In summary, the available evidence is currently insufficient to determine the role of this variant in disease. Therefore, it has been classified as a Variant of Uncertain Significance.